The following is an entry in ClinVar:

NM_001040108.2(MLH3):c.1637G>A (p.Arg546Lys)

Gene: MLH3 (mutL homolog 3; minus strand). Cytogenetic location: 14q24.3.
Variant type: single nucleotide variant.
Coding change: c.1637G>A on transcript NM_001040108.2 (MANE Select); coding-DNA position 1637, G replaced by A.
Protein change: p.Arg546Lys; replaces arginine 546 with lysine.
Molecular consequence: missense variant.
Genome position (GRCh38, 1-based): chr14:75,048,019, C>T on the plus strand (G>A on the coding strand, the complement: MLH3 is on the minus strand). VCF-style: chr14-75048019-C-T. GRCh37 (hg19) VCF-style: chr14-75514722-C-T.
Other names: c.1637G>A, p.Arg546Lys (NM_014381.3); short protein forms R546K.
Identifiers: ClinVar variation 1776950 (VCV001776950.2), dbSNP rs55725216, ClinGen allele CA390444755.

ClinVar aggregate classification (germline): Uncertain significance (1 of 4 stars; one submission).

Submission:

Ambry Genetics
Classification: Uncertain significance. Last evaluated: 2022-02-10. Review status: criteria provided, single submitter. Criteria: Ambry Variant Classification Scheme 2023. Collection method: clinical testing. Allele origin: germline.
Comment: The p.R546K variant (also known as c.1637G>A), located in coding exon 1 of the MLH3 gene, results from a G to A substitution at nucleotide position 1637. The arginine at codon 546 is replaced by lysine, an amino acid with highly similar properties. This amino acid position is conserved. In addition, this alteration is predicted to be tolerated by in silico analysis. Since supporting evidence is limited at this time, the clinical significance of this alteration remains unclear.